The following is an entry in ClinVar:

ClinVar aggregate classification (germline): Uncertain significance (1 of 4 stars; one submission).

Conditions:
Atypical hemolytic-uremic syndrome. Identifiers: Orphanet 2134, MedGen C2931788, MONDO:0016244.
Basal laminar drusen. Also called: DRUSEN OF BRUCH MEMBRANE; DRUSEN, CUTICULAR; DRUSEN, EARLY ADULT-ONSET, GROUPED. Identifiers: Orphanet 75376, MedGen C0730295, MONDO:0007472, OMIM 126700.
Factor H deficiency (CFHD). Also called: COMPLEMENT FACTOR H DEFICIENCY; CFH DEFICIENCY. Identifiers: Orphanet 200421, MedGen C0398777, MONDO:0012350, OMIM 609814.
Age related macular degeneration 4. Identifiers: MedGen C1853147, MONDO:0012540, OMIM 610698.

gnomAD v4.1: 2 of 1,546,464 alleles (0.00013%); highest among the groups gnomAD compares: Non-Finnish European, 0.00017%; no homozygotes.

Submission:

Genomenon, Inc
Classification: Uncertain significance for Basal laminar drusen; Age related macular degeneration 4; Atypical hemolytic-uremic syndrome; Factor H deficiency. Last evaluated: 2025-10-02. Review status: criteria provided, single submitter. Criteria: Genomenon Sequence Variant Interpretation Standards - Updated. Collection method: curation. Allele origin: germline. Affected: no.
Comment: CFH p.Pro814Ser (c.2440C>T) is a missense variant that changes the amino acid at residue 814 from Proline to Serine. This variant has been reported in the published literature (PMID:35260635). It is absent or not present at a significant frequency in gnomAD. In conclusion, we classify CFH p.Pro814Ser (c.2440C>T) as a variant of uncertain significance.

Literature cited by the submitters: PubMed 35260635.

NM_000186.4(CFH):c.2440C>T (p.Pro814Ser)

Gene: CFH (complement factor H; plus strand). Cytogenetic location: 1q31.3.
Variant type: single nucleotide variant.
Coding change: c.2440C>T on transcript NM_000186.4 (MANE Select); coding-DNA position 2440, C replaced by T.
Protein change: p.Pro814Ser; replaces proline 814 with serine.
Molecular consequence: missense variant.
Genome position (GRCh38, 1-based): chr1:196,736,850, C>T. VCF-style: chr1-196736850-C-T. GRCh37 (hg19) VCF-style: chr1-196705980-C-T.
Other names: short protein forms P814S.
Identifiers: ClinVar variation 4291481 (VCV004291481.1).